The following is an entry in ClinVar:

NC_000001.11:g.11980149T>G

Genes: MFN2 (mitofusin 2; plus strand), LOC129929423 (ATAC-STARR-seq lymphoblastoid silent region 279; plus strand). Cytogenetic location: 1p36.22.
Variant type: single nucleotide variant.
Genome position: GRCh38 VCF-style: chr1-11980149-T-G. GRCh37 (hg19) VCF-style: chr1-12040206-T-G.
Identifiers: ClinVar variation 1691168 (VCV001691168.3), dbSNP rs552167805, ClinGen allele CA18026980.

ClinVar aggregate classification (germline): Likely benign (1 of 4 stars; one submission).

Allele frequency attached by ClinVar (database versions not stated): gnomAD exomes 0.00095; 1000 Genomes Project 0.00579; 1000 Genomes Project 30x 0.00625; gnomAD 0.00706 and 0.00769; TOPMed 0.00814.

Submission:

GeneDx
Classification: Likely benign. Last evaluated: 2021-12-01. Review status: criteria provided, single submitter. Criteria: GeneDx Variant Classification Process June 2021. Collection method: clinical testing. Allele origin: germline. Affected: yes.
Comment: See Variant Classification Assertion Criteria.